The following is an entry in ClinVar:

NM_000492.4(CFTR):c.647G>A (p.Trp216Ter)

Gene: CFTR (CF transmembrane conductance regulator; plus strand). Cytogenetic location: 7q31.2.
Variant type: single nucleotide variant.
Coding change: c.647G>A on transcript NM_000492.4 (MANE Select); coding-DNA position 647, G replaced by A.
Protein change: p.Trp216Ter; replaces tryptophan 216 with a stop codon.
Molecular consequence: nonsense.
Genome position (GRCh38, 1-based): chr7:117,535,315, G>A. VCF-style: chr7-117535315-G-A. GRCh37 (hg19) VCF-style: chr7-117175369-G-A.
Other names: short protein forms W216*.
Identifiers: ClinVar variation 54033 (VCV000054033.14), dbSNP rs397508775, ClinGen allele CA327612.

ClinVar aggregate classification (germline): Pathogenic. Review status: reviewed by expert panel (3 of 4 stars). 7 submissions from 7 submitters: Pathogenic (1). 6 of the submissions do not count toward it. Last evaluated 2017-03-17.

Conditions:
CFTR-related disorder (CFTR-RD). Also called: CFTR-related condition; CFTR-related disorders. Identifiers: MedGen C5924204, MONDO:7770004.
Cystic fibrosis (CF). Also called: MUCOVISCIDOSIS. Identifiers: Orphanet 586, MedGen C0010674, MONDO:0009061, OMIM 219700. Disease mechanism: loss of function.

Allele frequency attached by ClinVar (database versions not stated): gnomAD exomes below 0.00001.
gnomAD v4.1: 1 of 1,614,062 alleles (0.000062%); highest among the groups gnomAD compares: Admixed American, 0.0017%; no homozygotes.

Submissions (7):

CFTR2
Classification: Pathogenic for Cystic fibrosis. Last evaluated: 2017-03-17. Review status: reviewed by expert panel. Criteria: Sosnay PR et al. (Nat Genet 2013). Collection method: research. Allele origin: germline. Affected: yes. Study: CFTR2.

Natera, Inc.
Classification: Pathogenic for CFTR-related disorders. Last evaluated: 2024-08-01. Review status: criteria provided, single submitter. Criteria: Natera Variant Classification Schema (03/2026). Collection method: clinical testing. Allele origin: germline. Not counted in ClinVar's aggregate classification.
Comment: The c.647G>A variant in CFTR is a nonsense variant predicted to introduce a stop codon at amino acid 216. This variant is expected to result in nonsense mediated decay, truncation, or a dysfunctional protein product. This variant is rare in the general population with a frequency below the threshold expected for the associated phenotype(s). This variant has been observed in one or more individuals affected with the associated recessive disease, as either homozygous or compound heterozygous with a second variant (PMID: 15776432, 16980811). Given the available evidence, this variant is classified as Pathogenic.

Ambry Genetics
Classification: Pathogenic for Cystic fibrosis. Last evaluated: 2019-08-23. Review status: criteria provided, single submitter. Criteria: Ambry Variant Classification Scheme 2023. Collection method: clinical testing. Allele origin: germline. Not counted in ClinVar's aggregate classification.
Comment: The p.W216* pathogenic mutation (also known as c.647G>A), located in coding exon 6 of the CFTR gene, results from a G to A substitution at nucleotide position 647. This changes the amino acid from a tryptophan to a stop codon within coding exon 6. This mutation has been identified in individuals with congenital absence of the vas deferens and cystic fibrosis (CF), including one homozygous individual with CF (Claustres M et al. Hum. Mutat., 2000;16:143-56; Anzai C et al. J. Cyst. Fibros., 2003 Mar;2:14-8; Kammesheidt A et al. Genet. Med., 2006 Sep;8:557-62; Shen Y et al. J. Pediatr., 2016 Apr;171:269-76.e1). In addition to the clinical data presented in the literature, this alteration is expected to result in loss of function by premature protein truncation or nonsense-mediated mRNA decay. As such, this alteration is interpreted as a disease-causing mutation.

Women's Health and Genetics/Laboratory Corporation of America, LabCorp
Classification: Pathogenic. Last evaluated: 2018-09-17. Review status: criteria provided, single submitter. Criteria: LabCorp Variant Classification Summary - May 2015. Collection method: clinical testing. Allele origin: germline. Not counted in ClinVar's aggregate classification.
Comment: Variant summary: CFTR c.647G>A (p.Trp216X) results in a premature termination codon, predicted to cause a truncation of the encoded protein or absence of the protein due to nonsense mediated decay, which are commonly known mechanisms for disease. The variant allele was found at a frequency of 4.1e-06 in 246204 control chromosomes (gnomAD and publication). The variant, c.647G>A, has been reported in the literature in multiple individuals affected with Non-classic Cystic Fibrosis, including one homozygote (Anzai_2003, Clain_2005, Claustres_2000, Kammesheidt_2006, Shen_2016). These data indicate that the variant is very likely to be associated with disease. To our knowledge, no experimental evidence demonstrating an impact on protein function has been reported. A ClinVar submission (evaluation after 2014) cites the variant as pathogenic. Based on the evidence outlined above, the variant was classified as pathogenic.

ARUP Laboratories, Molecular Genetics and Genomics, ARUP Laboratories
Classification: Pathogenic. Last evaluated: 2018-07-18. Review status: criteria provided, single submitter. Criteria: ARUP Molecular Germline Variant Investigation Process. Collection method: clinical testing. Allele origin: germline. Not counted in ClinVar's aggregate classification.
Comment: The CFTR c.647G>A; p.Trp216Ter variant (rs397508775), also known as c.779G>A in traditional nomenclature, is reported in the literature in a homozygous or compound heterozygous state in multiple individuals affected with cystic fibrosis (Clain 2005, Claustres 2000, Kammesheidt 2006, Shen 2016) or congenital bilateral absence of the vas deferens (Anzai 2003). This variant is reported as pathogenic by an expert panel in ClinVar (Variation ID: 54033), and is only observed on one allele in the Genome Aggregation Database. This variant induces an early termination codon and is predicted to result in a truncated protein or mRNA subject to nonsense-mediated decay. Based on available information, this variant is considered to be pathogenic. References: Anzai C et al. CFTR gene mutations in Japanese individuals with congenital bilateral absence of the vas deferens. J Cyst Fibros. 2003 Mar;2(1):14-8. Clain J et al. Misprocessing of the CFTR protein leads to mild cystic fibrosis phenotype. Hum Mutat. 2005 Apr;25(4):360-71. Claustres M et al. Spectrum of CFTR mutations in cystic fibrosis and in congenital absence of the vas deferens in France. Hum Mutat. 2000;16(2):143-56. Kammesheidt A et al. Comprehensive genetic analysis of the cystic fibrosis transmembrane conductance regulator from dried blood specimens--implications for newborn screening. Genet Med. 2006 Sep;8(9):557-62. Shen Y et al. Clinical Phenotypes and Genotypic Spectrum of Cystic Fibrosis in Chinese Children. J Pediatr. 2016 Apr;171:269-76.e1.

CFTR-France
Classification: Pathogenic for cystic fibrosis. Last evaluated: 2018-01-29. Review status: criteria provided, single submitter. Criteria: Claustres M et al. (Hum Mutat 2017). Collection method: curation. Allele origin: germline. Affected: yes. Not counted in ClinVar's aggregate classification.

ClinVar Staff, National Center for Biotechnology Information (NCBI)
No classification provided. Condition: CFTR-related disorders. Review status: no classification provided. Collection method: literature only. Allele origin: germline. Affected: yes. Not counted in ClinVar's aggregate classification.

Literature cited by the submitters: PubMed 15776432 (cited by Natera, Inc. and Women's Health and Genetics/Laboratory Corporation of America, LabCorp); PubMed 16980811 (cited by 3 submitters); PubMed 10923036 (cited by Ambry Genetics and Women's Health and Genetics/Laboratory Corporation of America, LabCorp); PubMed 15463840 (cited by 3 submitters); PubMed 26826884 (cited by Ambry Genetics and Women's Health and Genetics/Laboratory Corporation of America, LabCorp).